The following is an entry in ClinVar:

NM_004519.4(KCNQ3):c.115G>C (p.Glu39Gln)

Gene: KCNQ3 (potassium voltage-gated channel subfamily Q member 3; minus strand). Cytogenetic location: 8q24.22.
Variant type: single nucleotide variant.
Coding change: c.115G>C on transcript NM_004519.4 (MANE Select); coding-DNA position 115, G replaced by C.
Protein change: p.Glu39Gln; replaces glutamic acid 39 with glutamine.
Molecular consequence: missense variant.
Genome position (GRCh38, 1-based): chr8:132,480,418, C>G on the plus strand (G>C on the coding strand, the complement: KCNQ3 is on the minus strand). VCF-style: chr8-132480418-C-G. GRCh37 (hg19) VCF-style: chr8-133492665-C-G.
Other names: short protein forms E39Q.
Identifiers: ClinVar variation 645492 (VCV000645492.10), dbSNP rs1448580874, ClinGen allele CA372292867.

ClinVar aggregate classification (germline): Uncertain significance (1 of 4 stars; one submission).

Conditions:
Benign neonatal seizures. Also called: Benign familial neonatal seizures; Convulsions benign familial neonatal dominant form; Autosomal dominant form of benign neonatal seizures; Benign neonatal familial convulsions; Benign familial neonatal epilepsy. Identifiers: Orphanet 1949, MedGen C0220669, MONDO:0016027.

Allele frequency attached by ClinVar (database versions not stated): TOPMed 0.00001.

Submission:

Labcorp Genetics (formerly Invitae), Labcorp
Classification: Uncertain significance for Benign neonatal seizures. Last evaluated: 2019-04-23. Review status: criteria provided, single submitter. Criteria: Invitae Variant Classification Sherloc (09022015). Collection method: clinical testing. Allele origin: germline.
Comment: In summary, the available evidence is currently insufficient to determine the role of this variant in disease. Therefore, it has been classified as a Variant of Uncertain Significance. Algorithms developed to predict the effect of missense changes on protein structure and function (SIFT, PolyPhen-2, Align-GVGD) all suggest that this variant is likely to be tolerated, but these predictions have not been confirmed by published functional studies and their clinical significance is uncertain. This variant has not been reported in the literature in individuals with KCNQ3-related disease. The frequency data for this variant in the population databases is considered unreliable, as metrics indicate insufficient coverage at this position in the ExAC database. This sequence change replaces glutamic acid with glutamine at codon 39 of the KCNQ3 protein (p.Glu39Gln). The glutamic acid residue is weakly conserved and there is a small physicochemical difference between glutamic acid and glutamine.